The following is an entry in ClinVar:

NM_001113378.2(FANCI):c.1962A>C (p.Gln654His)

Gene: FANCI (FA complementation group I; plus strand). Cytogenetic location: 15q26.1.
Variant type: single nucleotide variant.
Coding change: c.1962A>C on transcript NM_001113378.2 (MANE Select); coding-DNA position 1962, A replaced by C.
Protein change: p.Gln654His; replaces glutamine 654 with histidine.
Molecular consequence: missense variant.
Genome position (GRCh38, 1-based): chr15:89,291,684, A>C. VCF-style: chr15-89291684-A-C. GRCh37 (hg19) VCF-style: chr15-89834915-A-C.
Other names: c.1683A>C, p.Gln561His (NM_001376910.1); c.1962A>C, p.Gln654His (NM_001376911.1, NM_018193.3); short protein forms Q654H, Q561H.
Identifiers: ClinVar variation 2810315 (VCV002810315.2), dbSNP rs2151709946, ClinGen allele CA393748773.

ClinVar aggregate classification (germline): Uncertain significance (1 of 4 stars; one submission).

Conditions:
Fanconi anemia (FA). Also called: Fanconi's anemia. Identifiers: Orphanet 84, MedGen C0015625, MeSH D005199, MONDO:0019391.

Submission:

Labcorp Genetics (formerly Invitae), Labcorp
Classification: Uncertain significance for Fanconi anemia. Last evaluated: 2022-10-31. Review status: criteria provided, single submitter. Criteria: Invitae Variant Classification Sherloc (09022015). Collection method: clinical testing. Allele origin: germline.
Comment: This sequence change replaces glutamine, which is neutral and polar, with histidine, which is basic and polar, at codon 654 of the FANCI protein (p.Gln654His). This variant is not present in population databases (gnomAD no frequency). This variant has not been reported in the literature in individuals affected with FANCI-related conditions. Advanced modeling of protein sequence and biophysical properties (such as structural, functional, and spatial information, amino acid conservation, physicochemical variation, residue mobility, and thermodynamic stability) performed at Invitae indicates that this missense variant is not expected to disrupt FANCI protein function. In summary, the available evidence is currently insufficient to determine the role of this variant in disease. Therefore, it has been classified as a Variant of Uncertain Significance.